The following is an entry in ClinVar:

NM_006459.4(ERLIN1):c.273del (p.Ile91fs)

Gene: ERLIN1 (ER lipid raft associated 1; minus strand). Cytogenetic location: 10q24.31.
Variant type: Deletion.
Coding change: c.273del on transcript NM_006459.4 (MANE Select); coding-DNA position 273, one base deleted (A; older notation c.273delA).
Protein change: p.Ile91fs; shifts the reading frame from isoleucine 91.
Molecular consequence: frameshift variant. On other transcripts: non-coding transcript variant (5), intron variant (1).
Genome position (GRCh38, 1-based): chr10:100,178,164, T deleted on the plus strand (A on the coding strand, the reverse complement: ERLIN1 is on the minus strand). VCF-style (leftmost placement, unchanged base first): chr10-100178163-CT-C. GRCh37 (hg19) VCF-style: chr10-101937920-CT-C.
Other names: c.273del, p.Ile91fs (NM_001100626.2, NM_001347857.2, NM_001347859.2 and 2 more transcripts); c.21del, p.Ile7fs (NM_001347856.2); c.-176-2094del (NM_001347858.2); short protein forms I7fs, I91fs.
Identifiers: ClinVar variation 4537457 (VCV004537457.1).
Genomic context (GRCh38, chr10:100,178,163, plus strand): 5'-ATAAAAACCACAGGTAGATGGGTAACATACCTGCATAAGGAGCCAACATATTAACCACTT[CT>C]ATTCGGTCAATATAGATCATGACCCCACCACTAAAAACAAAGAAAAAAAGTGTGAACTAC-3'

ClinVar aggregate classification (germline): Likely pathogenic (1 of 4 stars; one submission).

Conditions:
Hereditary spastic paraplegia 62. Also called: Spastic paraplegia 62, autosomal recessive. Identifiers: Orphanet 401785, MedGen C4284588, MONDO:0014302, OMIM 615681.

Submission:

Genetic Foundation of Khorasan Razavi (GFKR)
Classification: Likely pathogenic for Hereditary spastic paraplegia 62. Last evaluated: 2023-05-10. Review status: criteria provided, single submitter. Criteria: ACMG Guidelines, 2015. Collection method: clinical testing. Allele origin: inherited. Affected: yes. Observed: 1 homozygote.
Comment: This variant(p.Ile91Metfs*16 ) is expected to result in nonsense-mediated decay or a severely truncated protein. Loss of function is a well-established disease mechanism for this gene, supporting pathogenicity. The variant is absent from population databases, consistent with the rarity expected for a pathogenic allele. Taken together, these findings support a pathogenic classification according to ACMG/AMP guidelines.